The following is an entry in ClinVar:

NM_000548.5(TSC2):c.327G>A (p.Val109=)

Gene: TSC2 (TSC complex subunit 2; plus strand). Cytogenetic location: 16p13.3.
Variant type: single nucleotide variant.
Coding change: c.327G>A on transcript NM_000548.5 (MANE Select); coding-DNA position 327, G replaced by A.
Protein change: p.Val109=; no amino-acid change (valine 109 retained).
Molecular consequence: synonymous variant. On other transcripts: intron variant (2).
Genome position (GRCh38, 1-based): chr16:2,053,443, G>A. VCF-style: chr16-2053443-G-A. GRCh37 (hg19) VCF-style: chr16-2103444-G-A.
Other names: p.Val109=; c.327G>A, p.Val109= (NM_001077183.3, NM_001114382.3, NM_001363528.2 and 3 more transcripts); c.180G>A, p.Val60= (NM_001318829.2); c.360G>A, p.Val120= (NM_001318832.2); c.226-853G>A (NM_001318827.2); c.-1-2753G>A (NM_001318831.2); c.327G>A (NM_000548.4).
Identifiers: ClinVar variation 413736 (VCV000413736.25), dbSNP rs754348511, ClinGen allele CA045117.
Genomic context (GRCh38, chr16:2,053,443, plus strand): 5'-GCAGCCGGAGCGGCCGCTGGAGGCCCGGCACGCGGTGCTGGCTCTGCTGAAGGCCATCGT[G>A]CAGGGGCAGGTAAGGCCCAGGGCGACGCTGGGATGGGTGACGTCAGGCTGCCCACTGACT-3'
Protein context (NP_000539.2, residues 99-119): HAVLALLKAI[Val109=]QGQGERLGVL

ClinVar aggregate classification (germline): Benign/Likely benign. Review status: criteria provided, multiple submitters, no conflicts (2 of 4 stars). 8 submissions from 8 submitters: Benign (2); Likely benign (5). 1 of the submissions does not count toward it. Last evaluated 2026-01-17.

Conditions:
TSC2-related disorder. Also called: TSC2-related condition; TSC2-Related Disorders.
Hereditary cancer-predisposing syndrome. Also called: Tumor predisposition; Neoplastic Syndromes, Hereditary; Hereditary Cancer Syndrome; Hereditary neoplastic syndrome. Identifiers: Orphanet 140162, MedGen C0027672, MeSH D009386, MONDO:0015356.
Tuberous sclerosis syndrome (TSC). Also called: Tuberous Sclerosis Complex; Tuberous sclerosis. Identifiers: Orphanet 805, MedGen C0041341, MONDO:0001734.
Tuberous sclerosis 2 (TSC2). Identifiers: Orphanet 805, MedGen C1860707, MONDO:0013199, OMIM 613254.

Allele frequency attached by ClinVar (database versions not stated): gnomAD 0.00001 and 0.00002; TOPMed 0.00001; gnomAD exomes 0.00002; ExAC 0.00004.
gnomAD v4.1: 9 of 1,573,410 alleles (0.00057%); highest among the groups gnomAD compares: African/African-American, 0.0095%; no homozygotes.

Submissions (8):

Labcorp Genetics (formerly Invitae), Labcorp
Classification: Likely benign for Tuberous sclerosis 2. Last evaluated: 2026-01-17. Review status: criteria provided, single submitter. Criteria: Invitae Variant Classification Sherloc (09022015). Collection method: clinical testing. Allele origin: germline.

Myriad Genetics, Inc.
Classification: Benign for Tuberous sclerosis 2. Last evaluated: 2025-05-02. Review status: criteria provided, single submitter. Criteria: Myriad Autosomal Dominant, Autosomal Recessive and X-Linked Classification Criteria (2023). Collection method: clinical testing. Allele origin: unknown.
Comment: This variant is considered benign. This variant is a silent/synonymous amino acid change and it is not expected to impact splicing.

Mayo Clinic Laboratories, Mayo Clinic
Classification: Likely benign. Last evaluated: 2025-03-04. Review status: criteria provided, single submitter. Criteria: ACMG Guidelines, 2015. Collection method: clinical testing. Allele origin: germline. Observed: 1 variant allele.
Comment: BP4, BP7

All of Us Research Program, National Institutes of Health
Classification: Likely benign for Tuberous sclerosis syndrome. Last evaluated: 2023-04-27. Review status: criteria provided, single submitter. Criteria: ACMG Guidelines, 2015. Collection method: clinical testing. Allele origin: germline. Inheritance: Autosomal dominant inheritance. Observed: 1 variant allele, 1 heterozygote.
Comment: This study involves interpretation of variants in research participants for the purpose of population health screening. Participant phenotype was not available at the time of variant classification. Additional details can be found in publication PMID: 35346344, PMCID: PMC8962531

Genome-Nilou Lab
Classification: Benign for Tuberous sclerosis 2. Last evaluated: 2021-11-07. Review status: criteria provided, single submitter. Criteria: ACMG Guidelines, 2015. Collection method: clinical testing. Allele origin: germline. Affected: no.

GeneDx
Classification: Likely benign. Last evaluated: 2018-07-09. Review status: criteria provided, single submitter. Criteria: GeneDx Variant Classification Process June 2021. Collection method: clinical testing. Allele origin: germline. Affected: yes.

Ambry Genetics
Classification: Likely benign for Hereditary cancer-predisposing syndrome. Last evaluated: 2016-09-01. Review status: criteria provided, single submitter. Criteria: Ambry Variant Classification Scheme 2023. Collection method: clinical testing. Allele origin: germline.

PreventionGenetics, part of Exact Sciences
Classification: Likely benign for TSC2-related condition. Last evaluated: 2023-02-15. Review status: no assertion criteria provided. Collection method: clinical testing. Allele origin: germline. Not counted in ClinVar's aggregate classification.
Comment: This variant is classified as likely benign based on ACMG/AMP sequence variant interpretation guidelines (Richards et al. 2015 PMID: 25741868, with internal and published modifications).